The following is an entry in ClinVar:

ClinVar aggregate classification (germline): Uncertain significance (1 of 4 stars; one submission).

Conditions:
Brugada syndrome 8 (BRGDA8). Identifiers: Orphanet 130, MedGen C2751083, MONDO:0013148, OMIM 613123.

Submission:

Labcorp Genetics (formerly Invitae), Labcorp
Classification: Uncertain significance for Brugada syndrome 8. Last evaluated: 2024-09-29. Review status: criteria provided, single submitter. Criteria: Invitae Variant Classification Sherloc (09022015). Collection method: clinical testing. Allele origin: germline.
Comment: This sequence change falls in intron 1 of the HCN4 gene. It does not directly change the encoded amino acid sequence of the HCN4 protein. It affects a nucleotide within the consensus splice site. This variant is not present in population databases (gnomAD no frequency). This variant has not been reported in the literature in individuals affected with HCN4-related conditions. Variants that disrupt the consensus splice site are a relatively common cause of aberrant splicing (PMID: 17576681, 9536098). Algorithms developed to predict the effect of sequence changes on RNA splicing suggest that this variant may disrupt the consensus splice site. In summary, the available evidence is currently insufficient to determine the role of this variant in disease. Therefore, it has been classified as a Variant of Uncertain Significance.

Literature cited by the submitters: PubMed 17576681; PubMed 9536098.

NM_005477.3(HCN4):c.786-3del

Genes: HCN4 (hyperpolarization activated cyclic nucleotide gated potassium channel 4; minus strand), LOC105370890 (uncharacterized LOC105370890; plus strand), LOC126862173 (CDK7 strongly-dependent group 2 enhancer GRCh37_chr15:73635762-73636961; plus strand). Cytogenetic location: 15q24.1.
Variant type: Deletion.
Coding change: c.786-3del on transcript NM_005477.3 (MANE Select); 3 bases into the intron before coding-DNA position 786, one base deleted (C; older notation c.786-3delC).
Molecular consequence: intron variant.
Genome position (GRCh38, 1-based): chr15:73,343,811, G deleted on the plus strand (C on the coding strand, the reverse complement: HCN4 is on the minus strand). VCF-style (leftmost placement, unchanged base first): chr15-73343810-TG-T. GRCh37 (hg19) VCF-style: chr15-73636151-TG-T.
Identifiers: ClinVar variation 3721764 (VCV003721764.2).
Genomic context (GRCh38, chr15:73,343,810, plus strand): 5'-CAGGAATGATAATCAGGTTTCCCACCATCAGCAGCAGCATGGTCAGGTCCCAGTAAAATC[TG>T]CCCAGAGACACAGGGGTCAGTCGCCAGGAAGAGAGAGAGGACAAGTTACAGACTAAGGGA-3'